The following is an entry in ClinVar:

NM_138694.4(PKHD1):c.10869T>A (p.Pro3623=)

Gene: PKHD1 (PKHD1 ciliary IPT domain containing fibrocystin/polyductin; minus strand). Cytogenetic location: 6p12.3.
Variant type: single nucleotide variant.
Coding change: c.10869T>A on transcript NM_138694.4 (MANE Select); coding-DNA position 10869, T replaced by A.
Protein change: p.Pro3623=; no amino-acid change (proline 3623 retained).
Molecular consequence: synonymous variant.
Genome position (GRCh38, 1-based): chr6:51,659,257, A>T on the plus strand (T>A on the coding strand, the complement: PKHD1 is on the minus strand). VCF-style: chr6-51659257-A-T. GRCh37 (hg19) VCF-style: chr6-51524055-A-T.
Identifiers: ClinVar variation 3051091 (VCV003051091.2), dbSNP rs1772415566, ClinGen allele CA450612801.

ClinVar aggregate classification (germline): Likely benign (0 of 4 stars; one submission).

Conditions:
PKHD1-related disorder. Also called: PKHD1-related condition.

Allele frequency attached by ClinVar (database versions not stated): TOPMed below 0.00001.

Submission:

PreventionGenetics, part of Exact Sciences
Classification: Likely benign for PKHD1-related condition. Last evaluated: 2022-07-01. Review status: no assertion criteria provided. Collection method: clinical testing. Allele origin: germline.
Comment: This variant is classified as likely benign based on ACMG/AMP sequence variant interpretation guidelines (Richards et al. 2015 PMID: 25741868, with internal and published modifications).